The following is an entry in ClinVar:

ClinVar aggregate classification (germline): Benign. Review status: criteria provided, multiple submitters, no conflicts (2 of 4 stars). 12 submissions from 11 submitters: Benign (10). 2 of the submissions do not count toward it. Last evaluated 2026-02-03.

Conditions:
Autosomal dominant nonsyndromic hearing loss 20. Identifiers: Orphanet 90635, MedGen C1858172, MONDO:0011480, OMIM 604717.
Baraitser-winter syndrome 2. Identifiers: Orphanet 2995, MedGen C3281235, MONDO:0013812, OMIM 614583.

Allele frequency attached by ClinVar (database versions not stated): gnomAD exomes 0.02247; ExAC 0.02349; ESP Exome Variant Server 0.03891; gnomAD 0.04049 and 0.04188; TOPMed 0.04387; 1000 Genomes Project 0.05072; 1000 Genomes Project 30x 0.05278.
gnomAD v4.1: 30,280 of 1,613,884 alleles (1.9%); highest among the groups gnomAD compares: African/African-American, 10%; 638 homozygotes.

Submissions (12):

Labcorp Genetics (formerly Invitae), Labcorp
Classification: Benign for Baraitser-winter syndrome 2; Autosomal dominant nonsyndromic hearing loss 20. Last evaluated: 2026-02-03. Review status: criteria provided, single submitter. Criteria: Invitae Variant Classification Sherloc (09022015). Collection method: clinical testing. Allele origin: germline.

Blueprint Genetics
Classification: Benign. Last evaluated: 2024-11-27. Review status: criteria provided, single submitter. Criteria: ACMG Guidelines, 2015. Collection method: clinical testing. Allele origin: germline.

Mayo Clinic Laboratories, Mayo Clinic
Classification: Benign. Last evaluated: 2022-04-26. Review status: criteria provided, single submitter. Criteria: ACMG Guidelines, 2015. Collection method: clinical testing. Allele origin: germline. Observed: 11 variant alleles.

Genome-Nilou Lab
Classification: Benign for Baraitser-winter syndrome 2. Last evaluated: 2021-12-05. Review status: criteria provided, single submitter. Criteria: ACMG Guidelines, 2015. Collection method: clinical testing. Allele origin: germline. Affected: no.

Genome-Nilou Lab
Classification: Benign for Autosomal dominant nonsyndromic hearing loss 20. Last evaluated: 2021-12-05. Review status: criteria provided, single submitter. Criteria: ACMG Guidelines, 2015. Collection method: clinical testing. Allele origin: germline. Affected: no.

Athena Diagnostics
Classification: Benign. Last evaluated: 2018-05-23. Review status: criteria provided, single submitter. Criteria: Athena Diagnostics Criteria. Collection method: clinical testing. Allele origin: germline.

GeneDx
Classification: Benign. Last evaluated: 2015-11-13. Review status: criteria provided, single submitter. Criteria: GeneDx Variant Classification (06012015). Collection method: clinical testing. Allele origin: germline. Affected: yes.
Comment: This variant is considered likely benign or benign based on one or more of the following criteria: it is a conservative change, it occurs at a poorly conserved position in the protein, it is predicted to be benign by multiple in silico algorithms, and/or has population frequency not consistent with disease.

Genetic Services Laboratory, University of Chicago
Classification: Benign for AllHighlyPenetrant. Last evaluated: 2013-02-20. Review status: criteria provided, single submitter. Criteria: ACMG Guidelines, 2007. Collection method: clinical testing. Allele origin: germline. Inheritance: Autosomal recessive inheritance.

Laboratory for Molecular Medicine, Mass General Brigham Personalized Medicine
Classification: Benign. Last evaluated: 2012-05-07. Review status: criteria provided, single submitter. Criteria: LMM Criteria. Collection method: clinical testing. Allele origin: germline. Observed: 88 variant alleles.
Comment: "Ser338Ser in Exon 06 of ACTG1: This variant is not expected to have clinical si gnificance because it does not alter an amino acid residue, is not located withi n the splice consensus sequence, and has been identified in 8.3% (310/3738) of A frican American chromosomes from a broad population by the NHLBI Exome Sequencin g Project (dbSNP rs1139807)."

Breakthrough Genomics
Classification: Benign. Review status: criteria provided, single submitter. Criteria: ACMG Guidelines, 2015. Collection method: not provided. Allele origin: germline. Inheritance: Autosomal dominant inheritance. Affected: yes.

Clinical Genetics DNA and cytogenetics Diagnostics Lab, Erasmus MC, Erasmus Medical Center
Classification: Likely benign. Review status: no assertion criteria provided. Collection method: clinical testing. Allele origin: germline. Affected: yes. Study: VKGL Data-share Consensus. Not counted in ClinVar's aggregate classification.

Joint Genome Diagnostic Labs from Nijmegen and Maastricht, Radboudumc and MUMC+
Classification: Benign. Review status: no assertion criteria provided. Collection method: clinical testing. Allele origin: germline. Affected: yes. Study: VKGL Data-share Consensus. Not counted in ClinVar's aggregate classification.

NM_001614.5(ACTG1):c.1014G>A (p.Ser338=)

Gene: ACTG1 (actin gamma 1; minus strand). Cytogenetic location: 17q25.3.
Variant type: single nucleotide variant.
Coding change: c.1014G>A on transcript NM_001614.5 (MANE Select); coding-DNA position 1014, G replaced by A.
Protein change: p.Ser338=; no amino-acid change (serine 338 retained).
Molecular consequence: synonymous variant. On other transcripts: non-coding transcript variant (1).
Genome position (GRCh38, 1-based): chr17:81,510,804, C>T on the plus strand (G>A on the coding strand, the complement: ACTG1 is on the minus strand). VCF-style: chr17-81510804-C-T. GRCh37 (hg19) VCF-style: chr17-79477830-C-T.
Other names: p.Ser338=; c.1014G>A, p.Ser338= (NM_001199954.3).
Identifiers: ClinVar variation 128267 (VCV000128267.27), dbSNP rs1139807, ClinGen allele CA151580.